The following is an entry in ClinVar:

NM_025152.3(NUBPL):c.71C>T (p.Pro24Leu)

Gene: NUBPL (NUBP iron-sulfur cluster assembly factor, mitochondrial; plus strand). Cytogenetic location: 14q12.
Variant type: single nucleotide variant.
Coding change: c.71C>T on transcript NM_025152.3 (MANE Select); coding-DNA position 71, C replaced by T.
Protein change: p.Pro24Leu; replaces proline 24 with leucine.
Molecular consequence: missense variant. On other transcripts: non-coding transcript variant (1).
Genome position (GRCh38, 1-based): chr14:31,561,510, C>T. VCF-style: chr14-31561510-C-T. GRCh37 (hg19) VCF-style: chr14-32030716-C-T.
Other names: short protein forms P24L.
Identifiers: ClinVar variation 881214 (VCV000881214.37), dbSNP rs556060060, ClinGen allele CA7147705.

ClinVar aggregate classification (germline): Conflicting classifications of pathogenicity. Review status: criteria provided, conflicting classifications (1 of 4 stars). 5 submissions from 5 submitters: Uncertain significance (4); Likely benign (1). Last evaluated 2026-01-15.

Conditions:
Mitochondrial complex I deficiency, nuclear type 1. Also called: NADH-COENZYME Q REDUCTASE DEFICIENCY; MITOCHONDRIAL NADH DEHYDROGENASE COMPONENT OF COMPLEX I, DEFICIENCY OF. Identifiers: MedGen C6022305, MONDO:0100224, OMIM 252010.
Inborn genetic diseases. Identifiers: MedGen C0950123, MeSH D030342.

Allele frequency attached by ClinVar (database versions not stated): TOPMed below 0.00001; gnomAD 0.00001 and 0.00003; gnomAD exomes 0.00001 and 0.00006; ExAC 0.00008; 1000 Genomes Project 30x 0.00016; 1000 Genomes Project 0.00020.
gnomAD v4.1: 27 of 1,385,328 alleles (0.0019%); highest among the groups gnomAD compares: South Asian, 0.029%; no homozygotes.

Submissions (5):

Labcorp Genetics (formerly Invitae), Labcorp
Classification: Uncertain significance. Last evaluated: 2026-01-15. Review status: criteria provided, single submitter. Criteria: Invitae Variant Classification Sherloc (09022015). Collection method: clinical testing. Allele origin: germline.
Comment: This sequence change replaces proline, which is neutral and non-polar, with leucine, which is neutral and non-polar, at codon 24 of the NUBPL protein (p.Pro24Leu). This variant is present in population databases (rs556060060, gnomAD 0.04%). This variant has not been reported in the literature in individuals affected with NUBPL-related conditions. ClinVar contains an entry for this variant (Variation ID: 881214). An algorithm developed to predict the effect of missense changes on protein structure and function outputs the following: PolyPhen-2: "Benign". The leucine amino acid residue is found in multiple mammalian species, which suggests that this missense change does not adversely affect protein function. In summary, the available evidence is currently insufficient to determine the role of this variant in disease. Therefore, it has been classified as a Variant of Uncertain Significance.

Ambry Genetics
Classification: Uncertain significance for Inborn genetic diseases. Last evaluated: 2025-05-07. Review status: criteria provided, single submitter. Criteria: Ambry Variant Classification Scheme 2023. Collection method: clinical testing. Allele origin: germline.

CeGaT Center for Human Genetics Tuebingen
Classification: Likely benign. Last evaluated: 2022-05-01. Review status: criteria provided, single submitter. Criteria: CeGaT Center For Human Genetics Tuebingen Variant Classification Criteria Version 2. Collection method: clinical testing. Allele origin: germline. Affected: yes. Observed: 1 variant allele.
Comment: NUBPL: BP4

GeneDx
Classification: Uncertain significance. Last evaluated: 2022-01-20. Review status: criteria provided, single submitter. Criteria: GeneDx Variant Classification Process June 2021. Collection method: clinical testing. Allele origin: germline. Affected: yes.
Comment: In silico analysis supports that this missense variant does not alter protein structure/function; Has not been previously published as pathogenic or benign to our knowledge

Illumina Laboratory Services, Illumina
Classification: Uncertain significance for Mitochondrial complex I deficiency, nuclear type 1. Last evaluated: 2018-01-13. Review status: criteria provided, single submitter. Criteria: ICSL Variant Classification Criteria 13 December 2019. Collection method: clinical testing. Allele origin: germline.